The following is an entry in ClinVar:

NM_006180.6(NTRK2):c.1937+8G>A

Gene: NTRK2 (neurotrophic receptor tyrosine kinase 2; plus strand). Cytogenetic location: 9q21.33.
Variant type: single nucleotide variant.
Coding change: c.1937+8G>A on transcript NM_006180.6 (MANE Select); 8 bases into the intron after coding-DNA position 1937, G replaced by A.
Molecular consequence: intron variant.
Genome position (GRCh38, 1-based): chr9:84,948,642, G>A. VCF-style: chr9-84948642-G-A. GRCh37 (hg19) VCF-style: chr9-87563557-G-A.
Other names: c.1853+8G>A (NM_001369534.1); c.1889+8G>A (NM_001018064.3, NM_001369532.1, NM_001369533.1); c.1469+8G>A (NM_001369536.1); c.1421+8G>A (NM_001369535.1).
Identifiers: ClinVar variation 2629757 (VCV002629757.4), dbSNP rs200595566, ClinGen allele CA5105870.
Genomic context (GRCh38, chr9:84,948,642, plus strand): 5'-CTCATCATGGTCTTTGAGTACATGAAGCATGGGGACCTCAACAAGTTCCTCAGGTACAGT[G>A]AGGCGGGGAGGTGGGCTCCAGGAGGGAGCAGGCCTTCAGGGTTCAGGAGTGGAGGGTTCA-3'

ClinVar aggregate classification (germline): Conflicting classifications of pathogenicity. Review status: criteria provided, conflicting classifications (1 of 4 stars). 2 submissions from 2 submitters: Uncertain significance (1); Likely benign (1). Last evaluated 2023-05-25.

Conditions:
NTRK2-related disorder. Also called: NTRK2-related condition.

gnomAD v4.1: 12 of 1,613,952 alleles (0.00074%); highest among the groups gnomAD compares: Non-Finnish European, 0.001%; no homozygotes.

Submissions (2):

Labcorp Genetics (formerly Invitae), Labcorp
Classification: Likely benign. Last evaluated: 2023-05-25. Review status: criteria provided, single submitter. Criteria: Invitae Variant Classification Sherloc (09022015). Collection method: clinical testing. Allele origin: germline.

PreventionGenetics, part of Exact Sciences
Classification: Uncertain significance for NTRK2-related condition. Last evaluated: 2022-10-14. Review status: criteria provided, single submitter. Criteria: ACMG Guidelines, 2015. Collection method: clinical testing. Allele origin: germline.
Comment: The NTRK2 c.1937+8G>A variant is predicted to interfere with splicing. To our knowledge, this variant has not been reported in the literature. This variant is reported in 0.00088% of alleles in individuals of European (Non-Finnish) descent in gnomAD. At this time, the clinical significance of this variant is uncertain due to the absence of conclusive functional and genetic evidence.